The following is an entry in ClinVar:

ClinVar aggregate classification (germline): Uncertain significance (1 of 4 stars; one submission).

Conditions:
Intellectual developmental disorder with seizures and language delay (IDDSELD). Identifiers: MedGen C5436574, MONDO:0033559, OMIM 619000.

Submission:

Victorian Clinical Genetics Services, Murdoch Childrens Research Institute
Classification: Uncertain significance for Intellectual developmental disorder with seizures and language delay. Last evaluated: 2020-05-25. Review status: criteria provided, single submitter. Criteria: ACMG Guidelines, 2015. Collection method: clinical testing. Allele origin: germline. Inheritance: Autosomal dominant inheritance. Affected: yes.
Comment: Based on the classification scheme VCGS_Germline_v1.1.1, this variant is classified as a VUS-3B. Following criteria are met: 0102 - Loss-of-function is a known mechanism of disease for this gene. Premature termination codon variant have previously been reported (PMID 31685013; PMID 31440728; ClinVar; Decipher). (N) 0107 - This gene is known to be associated with autosomal dominant disease. (N) 0200 - Variant is predicted to result in a missense amino acid change from a proline to a glutamine (exon 5). (N) 0251 - Variant is heterozygous. (N) 0301 - Variant is absent from gnomAD. (P) 0309 - Two alternative amino acid changes at the same position has been observed in gnomAD (2 heterozygotes, 0 homozygotes). (N) 0502 - Missense variant with conflicting in silico predictions and high conservation with a moderate amino acid change. (N) 0600 - Variant is located in an annotated domain or motif (Proline-rich region). (N) 0705 - No comparable variants have previous evidence for pathogenicity. (N) 0807 - Variant has not previously been reported in a clinical context. (N) 0905 - No segregation evidence has been identified for this variant. (N) 1007 - No published functional evidence has been identified for this variant. (N) 1207 - Parental origin of the variant is unresolved. Variant is not maternally inherited. (N) Legend: (P) - Pathogenic, (N) - Neutral, (B) - Benign

Literature cited by the submitters: PubMed 31440728; PubMed 31685013.

NM_001353345.2(SETD1B):c.1196C>A (p.Pro399Gln)

Gene: SETD1B (SET domain containing 1B, histone lysine methyltransferase; plus strand). Cytogenetic location: 12q24.31.
Variant type: single nucleotide variant.
Coding change: c.1196C>A on transcript NM_001353345.2 (MANE Select); coding-DNA position 1196, C replaced by A.
Protein change: p.Pro399Gln; replaces proline 399 with glutamine.
Molecular consequence: missense variant.
Genome position (GRCh38, 1-based): chr12:121,810,141, C>A. VCF-style: chr12-121810141-C-A. GRCh37 (hg19) VCF-style: chr12-122248047-C-A.
Other names: short protein forms P399Q.
Identifiers: ClinVar variation 2500709 (VCV002500709.2), dbSNP rs1237793395, ClinGen allele CA386991071.